The following is an entry in ClinVar:

ClinVar aggregate classification (germline): Uncertain significance (1 of 4 stars; one submission).

Conditions:
Arrhythmogenic right ventricular dysplasia 9 (ARVD9). Also called: Arrhythmogenic Right Ventricular Dysplasia/Cardiomyopathy 9; ARRHYTHMOGENIC RIGHT VENTRICULAR DYSPLASIA, FAMILIAL, 9. Identifiers: MedGen C1836906, MONDO:0012180, OMIM 609040.

Submission:

Labcorp Genetics (formerly Invitae), Labcorp
Classification: Uncertain significance for Arrhythmogenic right ventricular dysplasia 9. Last evaluated: 2020-10-13. Review status: criteria provided, single submitter. Criteria: Invitae Variant Classification Sherloc (09022015). Collection method: clinical testing. Allele origin: germline.
Comment: In summary, the available evidence is currently insufficient to determine the role of this variant in disease. Therefore, it has been classified as a Variant of Uncertain Significance. Algorithms developed to predict the effect of missense changes on protein structure and function output the following: SIFT: "Tolerated"; PolyPhen-2: "Benign"; Align-GVGD: "Class C0". The isoleucine amino acid residue is found in multiple mammalian species, suggesting that this missense change does not adversely affect protein function. These predictions have not been confirmed by published functional studies and their clinical significance is uncertain. This variant has not been reported in the literature in individuals with PKP2-related conditions. This variant is not present in population databases (ExAC no frequency). This sequence change replaces valine with isoleucine at codon 740 of the PKP2 protein (p.Val740Ile). The valine residue is moderately conserved and there is a small physicochemical difference between valine and isoleucine.

NM_001005242.3(PKP2):c.2086G>A (p.Val696Ile)

Gene: PKP2 (plakophilin 2; minus strand). Cytogenetic location: 12p11.21.
Variant type: single nucleotide variant.
Coding change: c.2086G>A on transcript NM_001005242.3 (MANE Select); coding-DNA position 2086, G replaced by A.
Protein change: p.Val696Ile; replaces valine 696 with isoleucine.
Molecular consequence: missense variant.
Genome position (GRCh38, 1-based): chr12:32,802,484, C>T on the plus strand (G>A on the coding strand, the complement: PKP2 is on the minus strand). VCF-style: chr12-32802484-C-T. GRCh37 (hg19) VCF-style: chr12-32955418-C-T.
Other names: c.2218G>A, p.Val740Ile (NM_004572.4); short protein forms V696I, V740I.
Identifiers: ClinVar variation 1025469 (VCV001025469.8), dbSNP rs1956191269, ClinGen allele CA384359772.